The following is an entry in ClinVar:

ClinVar aggregate classification (germline): Uncertain significance. Review status: criteria provided, multiple submitters, no conflicts (2 of 4 stars). 5 submissions from 5 submitters: Uncertain significance (5). Last evaluated 2026-01-09.

Conditions:
MYLK-related disorder. Also called: MYLK-related condition.
Megacystis-microcolon-intestinal hypoperistalsis syndrome 1. Identifiers: MedGen C5542316, MONDO:0100354, OMIM 249210.
Aortic aneurysm, familial thoracic 7 (AAT7). Also called: AORTIC DISSECTION, FAMILIAL, WITH OR WITHOUT AORTIC ANEURYSM. Identifiers: MedGen C3151077, MONDO:0013418, OMIM 613780.
Familial thoracic aortic aneurysm and aortic dissection (TAAD). Also called: Thoracic aortic aneurysms and dissections. Identifiers: Orphanet 91387, MedGen C4707243, MONDO:0019625.

Allele frequency attached by ClinVar (database versions not stated): gnomAD exomes below 0.00001 and 0.00001; ExAC 0.00001; gnomAD 0.00001; TOPMed 0.00003.
gnomAD v4.1: 4 of 1,607,686 alleles (0.00025%); highest among the groups gnomAD compares: Non-Finnish European, 0.00034%; no homozygotes.

Submissions (5):

PreventionGenetics, part of Exact Sciences
Classification: Uncertain significance for MYLK-related condition. Last evaluated: 2026-01-09. Review status: criteria provided, single submitter. Criteria: ACMG Guidelines, 2015. Collection method: clinical testing. Allele origin: germline.
Comment: The MYLK c.2983A>G variant is predicted to result in the amino acid substitution p.Asn995Asp. To our knowledge, this variant has not been reported in the literature. This variant is reported in 0.0018% of alleles in individuals of European (Non-Finnish) descent in gnomAD. At this time, the clinical significance of this variant is uncertain due to the absence of conclusive functional and genetic evidence.

Labcorp Genetics (formerly Invitae), Labcorp
Classification: Uncertain significance for Aortic aneurysm, familial thoracic 7. Last evaluated: 2025-10-14. Review status: criteria provided, single submitter. Criteria: Invitae Variant Classification Sherloc (09022015). Collection method: clinical testing. Allele origin: germline.
Comment: This sequence change replaces asparagine, which is neutral and polar, with aspartic acid, which is acidic and polar, at codon 995 of the MYLK protein (p.Asn995Asp). This variant is present in population databases (rs756054110, gnomAD 0.002%). This variant has not been reported in the literature in individuals affected with MYLK-related conditions. ClinVar contains an entry for this variant (Variation ID: 409700). Invitae Evidence Modeling of protein sequence and biophysical properties (such as structural, functional, and spatial information, amino acid conservation, physicochemical variation, residue mobility, and thermodynamic stability) indicates that this missense variant is not expected to disrupt MYLK protein function with a negative predictive value of 80%. In summary, the available evidence is currently insufficient to determine the role of this variant in disease. Therefore, it has been classified as a Variant of Uncertain Significance.

Ambry Genetics
Classification: Uncertain significance for Familial thoracic aortic aneurysm and aortic dissection. Last evaluated: 2025-05-06. Review status: criteria provided, single submitter. Criteria: Ambry Variant Classification Scheme 2023. Collection method: clinical testing. Allele origin: germline.
Comment: The p.N995D variant (also known as c.2983A>G), located in coding exon 15 of the MYLK gene, results from an A to G substitution at nucleotide position 2983. The asparagine at codon 995 is replaced by aspartic acid, an amino acid with highly similar properties. This amino acid position is conserved. In addition, this alteration is predicted to be tolerated by in silico analysis. Based on the available evidence, the clinical significance of this variant remains unclear.

Fulgent Genetics
Classification: Uncertain significance for Megacystis-microcolon-intestinal hypoperistalsis syndrome 1; Aortic aneurysm, familial thoracic 7. Last evaluated: 2021-09-01. Review status: criteria provided, single submitter. Criteria: ACMG Guidelines, 2015. Collection method: clinical testing. Allele origin: unknown.

GeneDx
Classification: Uncertain significance. Last evaluated: 2021-01-08. Review status: criteria provided, single submitter. Criteria: GeneDx Variant Classification Process June 2021. Collection method: clinical testing. Allele origin: germline. Affected: yes.
Comment: Has not been previously published as pathogenic or benign to our knowledge; Not observed at a significant frequency in large population cohorts (Lek et al., 2016); In silico analysis supports that this missense variant does not alter protein structure/function; Reported in ClinVar as a variant of uncertain significance (ClinVar Variant ID# 409700; Landrum et al., 2016)

NM_053025.4(MYLK):c.2983A>G (p.Asn995Asp)

Gene: MYLK (myosin light chain kinase; minus strand). Cytogenetic location: 3q21.1.
Variant type: single nucleotide variant.
Coding change: c.2983A>G on transcript NM_053025.4 (MANE Select); coding-DNA position 2983, A replaced by G.
Protein change: p.Asn995Asp; replaces asparagine 995 with aspartic acid.
Molecular consequence: missense variant.
Genome position (GRCh38, 1-based): chr3:123,700,485, T>C on the plus strand (A>G on the coding strand, the complement: MYLK is on the minus strand). VCF-style: chr3-123700485-T-C. GRCh37 (hg19) VCF-style: chr3-123419332-T-C.
Other names: c.2455A>G, p.Asn819Asp (NM_001321309.2); c.2776A>G, p.Asn926Asp (NM_053026.4, NM_053028.4); c.2983A>G, p.Asn995Asp (NM_053027.4); short protein forms N995D, N819D, N926D.
Identifiers: ClinVar variation 409700 (VCV000409700.16), dbSNP rs756054110, ClinGen allele CA069213.
Genomic context (GRCh38, chr3:123,700,485, plus strand): 5'-TCAGGGGCTTGGAACTCTCCACTGCCTTGGCATTCAGGGTCTCGGCACTGCTGCTGCCAT[T>C]CTCTGCTGGTAATTTCTTCTTGCCACCCAGCACTGAGCGAAAATCCGGGGTGGCAGGTTT-3'
Protein context (NP_444253.3, residues 985-1005): LGGKKKLPAE[Asn995Asp]GSSSAETLNA